The following is an entry in ClinVar:

ClinVar aggregate classification (germline): Uncertain significance (1 of 4 stars; one submission).

Allele frequency attached by ClinVar (database versions not stated): ExAC 0.00001; gnomAD 0.00001; gnomAD exomes 0.00001; TOPMed 0.00001.

Submission:

Labcorp Genetics (formerly Invitae), Labcorp
Classification: Uncertain significance. Last evaluated: 2021-04-23. Review status: criteria provided, single submitter. Criteria: Invitae Variant Classification Sherloc (09022015). Collection method: clinical testing. Allele origin: germline.
Comment: In summary, the available evidence is currently insufficient to determine the role of this variant in disease. Therefore, it has been classified as a Variant of Uncertain Significance. Algorithms developed to predict the effect of missense changes on protein structure and function are either unavailable or do not agree on the potential impact of this missense change (SIFT: "Deleterious"; PolyPhen-2: "Probably Damaging"; Align-GVGD: "Class C0"). This variant has not been reported in the literature in individuals with MMP13-related conditions. This variant is present in population databases (rs782707715, ExAC 0.001%). This sequence change replaces arginine with histidine at codon 461 of the MMP13 protein (p.Arg461His). The arginine residue is moderately conserved and there is a small physicochemical difference between arginine and histidine.

NM_002427.4(MMP13):c.1382G>A (p.Arg461His)

Gene: MMP13 (matrix metallopeptidase 13; minus strand). Cytogenetic location: 11q22.2.
Variant type: single nucleotide variant.
Coding change: c.1382G>A on transcript NM_002427.4 (MANE Select); coding-DNA position 1382, G replaced by A.
Protein change: p.Arg461His; replaces arginine 461 with histidine.
Molecular consequence: missense variant.
Genome position (GRCh38, 1-based): chr11:102,944,300, C>T on the plus strand (G>A on the coding strand, the complement: MMP13 is on the minus strand). VCF-style: chr11-102944300-C-T. GRCh37 (hg19) VCF-style: chr11-102815029-C-T.
Other names: short protein forms R461H.
Identifiers: ClinVar variation 1433282 (VCV001433282.8), dbSNP rs782707715, ClinGen allele CA6251669.